The following is an entry in ClinVar:

NM_019842.4(KCNQ5):c.1813C>T (p.Arg605Trp)

Gene: KCNQ5 (potassium voltage-gated channel subfamily Q member 5; plus strand). Cytogenetic location: 6q13.
Variant type: single nucleotide variant.
Coding change: c.1813C>T on transcript NM_019842.4 (MANE Select); coding-DNA position 1813, C replaced by T.
Protein change: p.Arg605Trp; replaces arginine 605 with tryptophan.
Molecular consequence: missense variant.
Genome position (GRCh38, 1-based): chr6:73,192,668, C>T. VCF-style: chr6-73192668-C-T. GRCh37 (hg19) VCF-style: chr6-73902391-C-T.
Other names: c.1786C>T, p.Arg596Trp (NM_001160130.2); c.1843C>T, p.Arg615Trp (NM_001160132.2); c.1870C>T, p.Arg624Trp (NM_001160133.2); c.1483C>T, p.Arg495Trp (NM_001160134.2); c.1870C>T (NM_001160133.1); short protein forms R615W, R605W, R495W, R624W, R596W.
Identifiers: ClinVar variation 1519032 (VCV001519032.7), dbSNP rs1377270622, ClinGen allele CA364693707.
Genomic context (GRCh38, chr6:73,192,668, plus strand): 5'-AAGAGCCGAGAGAAAATAACAGCAGAACATGAGACCACAGACGATCTCAGTATGCTCGGT[C>T]GGGTGGTCAAGGTTGAAAAACAGGTACAACTCAACTACGCTGGGTATCTTTTTAGCCAGA-3'
Protein context (NP_062816.2, residues 595-615): ETTDDLSMLG[Arg605Trp]VVKVEKQVQS

ClinVar aggregate classification (germline): Uncertain significance. Review status: criteria provided, multiple submitters, no conflicts (2 of 4 stars). 2 submissions from 2 submitters: Uncertain significance (2). Last evaluated 2024-06-03.

Conditions:
Inborn genetic diseases. Identifiers: MedGen C0950123, MeSH D030342.

gnomAD v4.1: 3 of 1,598,386 alleles (0.00019%); no homozygotes.

Submissions (2):

Ambry Genetics
Classification: Uncertain significance for Inborn genetic diseases. Last evaluated: 2024-06-03. Review status: criteria provided, single submitter. Criteria: Ambry Variant Classification Scheme 2023. Collection method: clinical testing. Allele origin: germline.

Labcorp Genetics (formerly Invitae), Labcorp
Classification: Uncertain significance. Last evaluated: 2022-02-04. Review status: criteria provided, single submitter. Criteria: Invitae Variant Classification Sherloc (09022015). Collection method: clinical testing. Allele origin: germline.
Comment: In summary, the available evidence is currently insufficient to determine the role of this variant in disease. Therefore, it has been classified as a Variant of Uncertain Significance. Advanced modeling of protein sequence and biophysical properties (such as structural, functional, and spatial information, amino acid conservation, physicochemical variation, residue mobility, and thermodynamic stability) performed at Invitae indicates that this missense variant is expected to disrupt KCNQ5 protein function. This variant has not been reported in the literature in individuals affected with KCNQ5-related conditions. This variant is present in population databases (no rsID available, gnomAD 0.0009%). This sequence change replaces arginine, which is basic and polar, with tryptophan, which is neutral and slightly polar, at codon 624 of the KCNQ5 protein (p.Arg624Trp).